The following is an entry in ClinVar:

ClinVar aggregate classification (germline): Pathogenic (1 of 4 stars; one submission).

Conditions:
Ataxia-telangiectasia syndrome (AT). Also called: Ataxia-telangiectasia, complementation group E; LOUIS-BAR SYNDROME; Ataxia-telangiectasia, complementation group D; AT, COMPLEMENTATION GROUP C; Ataxia-telangiectasia; Cerebello-oculocutaneous telangiectasia. Identifiers: Orphanet 100, MedGen C0004135, MONDO:0008840, OMIM 208900.

Submission:

Labcorp Genetics (formerly Invitae), Labcorp
Classification: Pathogenic for Ataxia-telangiectasia syndrome. Last evaluated: 2021-02-07. Review status: criteria provided, single submitter. Criteria: Invitae Variant Classification Sherloc (09022015). Collection method: clinical testing. Allele origin: germline.
Comment: This variant is not present in population databases (ExAC no frequency). For these reasons, this variant has been classified as Pathogenic. This variant has not been reported in the literature in individuals with ATM-related conditions. This sequence change creates a premature translational stop signal (p.Lys1701*) in the ATM gene. It is expected to result in an absent or disrupted protein product. Loss-of-function variants in ATM are known to be pathogenic (PMID: 23807571, 25614872).

Literature cited by the submitters: PubMed 23807571; PubMed 25614872.

NM_000051.4(ATM):c.5100dup (p.Lys1701Ter)

Gene: ATM (ATM serine/threonine kinase; plus strand). Cytogenetic location: 11q22.3.
Variant type: Duplication.
Coding change: c.5100dup on transcript NM_000051.4 (MANE Select); coding-DNA position 5100, one base duplicated (T; older notation c.5100dupT).
Protein change: p.Lys1701Ter; replaces lysine 1701 with a stop codon.
Molecular consequence: nonsense.
Genome position (GRCh38, 1-based): chr11:108,299,808, T duplicated; the last of 2 consecutive T bases (chr11:108,299,807-108,299,808); duplicating either gives the same sequence. VCF-style (leftmost placement, unchanged base first): chr11-108299806-C-CT. GRCh37 (hg19) VCF-style: chr11-108170533-C-CT.
Other names: c.5100dup, p.Lys1701Ter (NM_001351834.2); short protein forms K1701*.
Identifiers: ClinVar variation 1453570 (VCV001453570.6), dbSNP rs2135890847, ClinGen allele CA2573146464.